The following is an entry in ClinVar:

ClinVar aggregate classification (germline): Uncertain significance (1 of 4 stars; one submission).

Allele frequency attached by ClinVar (database versions not stated): gnomAD exomes below 0.00001.

Submission:

CeGaT Center for Human Genetics Tuebingen
Classification: Uncertain significance. Last evaluated: 2023-07-01. Review status: criteria provided, single submitter. Criteria: CeGaT Center For Human Genetics Tuebingen Variant Classification Criteria Version 2. Collection method: clinical testing. Allele origin: germline. Affected: yes. Observed: 1 variant allele.
Comment: PHIP: PM2, BP4

NM_017934.7(PHIP):c.2347C>T (p.Leu783Phe)

Gene: PHIP (PHIP subunit of CUL4-Ring ligase complex; minus strand). Cytogenetic location: 6q14.1.
Variant type: single nucleotide variant.
Coding change: c.2347C>T on transcript NM_017934.7 (MANE Select); coding-DNA position 2347, C replaced by T.
Protein change: p.Leu783Phe; replaces leucine 783 with phenylalanine.
Molecular consequence: missense variant.
Genome position (GRCh38, 1-based): chr6:78,988,322, G>A on the plus strand (C>T on the coding strand, the complement: PHIP is on the minus strand). VCF-style: chr6-78988322-G-A. GRCh37 (hg19) VCF-style: chr6-79698039-G-A.
Other names: short protein forms L783F.
Identifiers: ClinVar variation 2656720 (VCV002656720.24), dbSNP rs1034537913, ClinGen allele CA141882685.
Genomic context (GRCh38, chr6:78,988,322, plus strand): 5'-CCAATGCAGATCTTGTACGATAATTGTGTTGATTTGTCTGTTGCTTTTTGGATTCTCCAA[G>A]ATCCAGGAAATGCTCATGAGCATGATTCTAGAAAAAAATAAATTAAATTTATTCACAGAT-3'
Protein context (NP_060404.4, residues 773-793): KNHAHEHFLD[Leu783Phe]GESKKQQTNQ